The following is an entry in ClinVar:

NM_004698.4(PRPF3):c.335G>A (p.Arg112Gln)

Gene: PRPF3 (pre-mRNA processing factor 3; plus strand). Cytogenetic location: 1q21.2.
Variant type: single nucleotide variant.
Coding change: c.335G>A on transcript NM_004698.4 (MANE Select); coding-DNA position 335, G replaced by A.
Protein change: p.Arg112Gln; replaces arginine 112 with glutamine.
Molecular consequence: missense variant. On other transcripts: 5 prime UTR variant (1), non-coding transcript variant (4).
Genome position (GRCh38, 1-based): chr1:150,328,378, G>A. VCF-style: chr1-150328378-G-A. GRCh37 (hg19) VCF-style: chr1-150300837-G-A.
Other names: c.-71G>A (NM_001350529.1); short protein forms R112Q.
Identifiers: ClinVar variation 2007260 (VCV002007260.4), dbSNP rs2525078742, ClinGen allele CA342288513.

ClinVar aggregate classification (germline): Uncertain significance (1 of 4 stars; one submission).

Allele frequency attached by ClinVar (database versions not stated): gnomAD exomes 0.00001.

Submission:

Labcorp Genetics (formerly Invitae), Labcorp
Classification: Uncertain significance. Last evaluated: 2022-08-16. Review status: criteria provided, single submitter. Criteria: Invitae Variant Classification Sherloc (09022015). Collection method: clinical testing. Allele origin: germline.
Comment: Algorithms developed to predict the effect of missense changes on protein structure and function are either unavailable or do not agree on the potential impact of this missense change (SIFT: "Deleterious"; PolyPhen-2: "Benign"; Align-GVGD: "Class C0"). In summary, the available evidence is currently insufficient to determine the role of this variant in disease. Therefore, it has been classified as a Variant of Uncertain Significance. This variant has not been reported in the literature in individuals affected with PRPF3-related conditions. This variant is not present in population databases (gnomAD no frequency). This sequence change replaces arginine, which is basic and polar, with glutamine, which is neutral and polar, at codon 112 of the PRPF3 protein (p.Arg112Gln).